The following is an entry in ClinVar:

ClinVar aggregate classification (germline): Uncertain significance (1 of 4 stars; one submission).

Conditions:
Cardiovascular phenotype. Identifiers: MedGen CN230736.

Submission:

Ambry Genetics
Classification: Uncertain significance for Cardiovascular phenotype. Last evaluated: 2020-02-27. Review status: criteria provided, single submitter. Criteria: Ambry Variant Classification Scheme 2023. Collection method: clinical testing. Allele origin: germline.
Comment: The p.V4319D variant (also known as c.12956T>A), located in coding exon 90 of the RYR2 gene, results from a T to A substitution at nucleotide position 12956. The valine at codon 4319 is replaced by aspartic acid, an amino acid with highly dissimilar properties. This amino acid position is highly conserved in available vertebrate species. In addition, this alteration is predicted to be deleterious by in silico analysis. Since supporting evidence is limited at this time, the clinical significance of this alteration remains unclear.

NM_001035.3(RYR2):c.12956T>A (p.Val4319Asp)

Genes: RYR2 (ryanodine receptor 2; plus strand), LOC126806068 (BRD4-independent group 4 enhancer GRCh37_chr1:237947411-237948610; plus strand). Cytogenetic location: 1q43.
Variant type: single nucleotide variant.
Coding change: c.12956T>A on transcript NM_001035.3 (MANE Select); coding-DNA position 12956, T replaced by A.
Protein change: p.Val4319Asp; replaces valine 4319 with aspartic acid.
Molecular consequence: missense variant.
Genome position (GRCh38, 1-based): chr1:237,784,668, T>A. VCF-style: chr1-237784668-T-A. GRCh37 (hg19) VCF-style: chr1-237947968-T-A.
Other names: short protein forms V4319D.
Identifiers: ClinVar variation 1769184 (VCV001769184.2), dbSNP rs2527795852, ClinGen allele CA345414834.